The following is an entry in ClinVar:

ClinVar aggregate classification (germline): Uncertain significance (1 of 4 stars; one submission).

Conditions:
Epidermolysis bullosa simplex 3, localized or generalized intermediate, with BP230 deficiency (EBS3). Also called: Epidermolysis bullosa simplex, autosomal recessive 2; Epidermolysis bullosa simplex due to BP230 deficiency. Identifiers: Orphanet 412181, MedGen C3809470, MONDO:0014180, OMIM 615425.
Hereditary sensory and autonomic neuropathy type 6. Also called: HSAN VI; Neuropathy, hereditary sensory and autonomic, type VI. Identifiers: Orphanet 314381, MedGen C3539003, MONDO:0013839, OMIM 614653.

gnomAD v4.1: 2 of 1,608,408 alleles (0.00012%); highest among the groups gnomAD compares: East Asian, 0.0045%; no homozygotes.

Submission:

Labcorp Genetics (formerly Invitae), Labcorp
Classification: Uncertain significance for Epidermolysis bullosa simplex 3, localized or generalized intermediate, with BP230 deficiency; Hereditary sensory and autonomic neuropathy type 6. Last evaluated: 2025-08-11. Review status: criteria provided, single submitter. Criteria: Invitae Variant Classification Sherloc (09022015). Collection method: clinical testing. Allele origin: germline.
Comment: The DST gene has multiple clinically relevant transcripts. This variant occurs in alternate transcript NM_015548.4, and corresponds to NM_001723.5:c.*104166A>G in the primary transcript. This sequence change replaces asparagine, which is neutral and polar, with serine, which is neutral and polar, at codon 3586 of the DST protein (p.Asn3586Ser). The frequency data for this variant in the population databases is considered unreliable, as metrics indicate poor data quality at this position in the gnomAD database. This variant has not been reported in the literature in individuals affected with DST-related conditions. In summary, the available evidence is currently insufficient to determine the role of this variant in disease. Therefore, it has been classified as a Variant of Uncertain Significance.

NM_001374736.1(DST):c.18626A>G (p.Asn6209Ser)

Gene: DST (dystonin; minus strand). Cytogenetic location: 6p12.1.
Variant type: single nucleotide variant.
Coding change: c.18626A>G on transcript NM_001374736.1 (MANE Select); coding-DNA position 18626, A replaced by G.
Protein change: p.Asn6209Ser; replaces asparagine 6209 with serine.
Molecular consequence: missense variant.
Genome position (GRCh38, 1-based): chr6:56,511,351, T>C on the plus strand (A>G on the coding strand, the complement: DST is on the minus strand). VCF-style: chr6-56511351-T-C. GRCh37 (hg19) VCF-style: chr6-56376149-T-C.
Other names: c.12269A>G, p.Asn4090Ser (NM_001144769.5); c.11855A>G, p.Asn3952Ser (NM_001144770.2); c.18626A>G, p.Asn6209Ser (NM_001374722.1); c.17666A>G, p.Asn5889Ser (NM_001374729.1); c.11408A>G, p.Asn3803Ser (NM_001374730.1); c.18653A>G, p.Asn6218Ser (NM_001374734.1); c.11735A>G, p.Asn3912Ser (NM_001386100.1, NM_183380.4); c.10757A>G, p.Asn3586Ser (NM_015548.5); short protein forms N3803S, N6218S, N4090S, N3586S, N3912S, N3952S, N5889S, N6209S.
Identifiers: ClinVar variation 4791158 (VCV004791158.1).
Genomic context (GRCh38, chr6:56,511,351, plus strand): 5'-TTCTCTTGGATAGAAAAGCCTTCCCCAGGGCTCAATTCCAGTAACTGTGGCCCAGTTTTG[T>C]TCATCTTATCTATATGAGGCTTGTGTTCAGCTATCAACTCACGCAGTTGCTATAACAAAC-3'
Protein context (NP_001361665.1, residues 6199-6219): AEHKPHIDKM[Asn6209Ser]KTGPQLLELS